The following is an entry in ClinVar:

ClinVar aggregate classification (germline): Benign. Review status: reviewed by expert panel (3 of 4 stars). 2 submissions from 2 submitters: Benign (1). 1 of the submissions does not count toward it. Last evaluated 2015-01-12.

Conditions:
Hereditary cancer-predisposing syndrome. Also called: Tumor predisposition; Hereditary Cancer Syndrome; Neoplastic Syndromes, Hereditary; Hereditary neoplastic syndrome. Identifiers: Orphanet 140162, MedGen C0027672, MeSH D009386, MONDO:0015356.
Breast-ovarian cancer, familial, susceptibility to, 1 (BROVCA1). Also called: BRCA1 Hereditary Breast and Ovarian Cancer; OVARIAN CANCER, SUSCEPTIBILITY TO. Identifiers: Orphanet 145, MedGen C2676676, MONDO:0011450, OMIM 604370. Disease mechanism: loss of function.

Allele frequency attached by ClinVar (database versions not stated): 1000 Genomes Project 0.00539; 1000 Genomes Project 30x 0.00609; gnomAD 0.00977 and 0.01005; TOPMed 0.01052.
gnomAD v4.1: 1,524 of 152,198 alleles (1%); highest among the groups gnomAD compares: Middle Eastern, 1.7%; 17 homozygotes.

Submissions (2):

Evidence-based Network for the Interpretation of Germline Mutant Alleles (ENIGMA)
Classification: Benign for Breast-ovarian cancer, familial 1. Last evaluated: 2015-01-12. Review status: reviewed by expert panel. Criteria: ENIGMA BRCA1/2 Classification Criteria (2015). Collection method: curation. Allele origin: germline.
Comment: Class 1 not pathogenic based on frequency >1% in an outbred sampleset. Frequency 0.01319 (European), derived from 1000 genomes (2012-04-30).

University of Washington Department of Laboratory Medicine, University of Washington
Classification: Likely benign for Hereditary cancer-predisposing syndrome. Last evaluated: 2015-12-01. Review status: no assertion criteria provided. Collection method: clinical testing. Allele origin: germline. Affected: yes. Not counted in ClinVar's aggregate classification.

NM_007294.4(BRCA1):c.4987-1060G>A

Gene: BRCA1 (BRCA1 DNA repair associated; minus strand). Cytogenetic location: 17q21.31.
Variant type: single nucleotide variant.
Coding change: c.4987-1060G>A on transcript NM_007294.4 (MANE Select); 1060 bases into the intron before coding-DNA position 4987, G replaced by A.
Molecular consequence: intron variant.
Genome position (GRCh38, 1-based): chr17:43,068,755, C>T on the plus strand (G>A on the coding strand, the complement: BRCA1 is on the minus strand). VCF-style: chr17-43068755-C-T. GRCh37 (hg19) VCF-style: chr17-41220772-C-T.
Other names: IVS 16-1060G>A; c.1534-1060G>A (NM_001408458.1, NM_001408461.1, NM_001408464.1 and 7 more transcripts); c.4096-1060G>A (NM_001407967.1); c.4606-1060G>A (NM_001407959.1); c.4720-1060G>A (NM_001407931.1, NM_001407932.1, NM_001407928.1 and 4 more transcripts); c.4843-1060G>A (NM_001407747.1, NM_001407745.1, NM_001407737.1 and 21 more transcripts); c.4603-1060G>A (NM_001407962.1, NM_001407960.1); c.1174-1060G>A (NM_001408512.1); and 72 more.
Identifiers: ClinVar variation 209353 (VCV000209353.4), dbSNP rs145869415, ClinGen allele CA276325.
Genomic context (GRCh38, chr17:43,068,755, plus strand): 5'-GAGGTAACTAGCCTACACAGAAAGTTATGCTACAGATATACATGGCTTAAAACCAAGACT[C>T]AACCCTCTGATAGTTACAAAACACTGAAATCAGGATGTTACTAAAGGTCAGTGCAAAAGC-3'